The following is an entry in ClinVar:

NM_001371986.1(UNC80):c.1756G>A (p.Val586Ile)

Gene: UNC80 (unc-80 homolog, NALCN channel complex subunit; plus strand). Cytogenetic location: 2q34.
Variant type: single nucleotide variant.
Coding change: c.1756G>A on transcript NM_001371986.1 (MANE Select); coding-DNA position 1756, G replaced by A.
Protein change: p.Val586Ile; replaces valine 586 with isoleucine.
Molecular consequence: missense variant.
Genome position (GRCh38, 1-based): chr2:209,819,055, G>A. VCF-style: chr2-209819055-G-A. GRCh37 (hg19) VCF-style: chr2-210683779-G-A.
Other names: c.1756G>A, p.Val586Ile (NM_032504.2, NM_182587.4); short protein forms V586I.
Identifiers: ClinVar variation 1450053 (VCV001450053.3), dbSNP rs1367491142, ClinGen allele CA350135592.

ClinVar aggregate classification (germline): Uncertain significance (1 of 4 stars; one submission).

Allele frequency attached by ClinVar (database versions not stated): gnomAD exomes 0.00001.
gnomAD v4.1: 25 of 1,551,676 alleles (0.0016%); highest among the groups gnomAD compares: Admixed American, 0.0039%; no homozygotes.

Submission:

Labcorp Genetics (formerly Invitae), Labcorp
Classification: Uncertain significance. Last evaluated: 2022-06-04. Review status: criteria provided, single submitter. Criteria: Invitae Variant Classification Sherloc (09022015). Collection method: clinical testing. Allele origin: germline.
Comment: This sequence change replaces valine, which is neutral and non-polar, with isoleucine, which is neutral and non-polar, at codon 586 of the UNC80 protein (p.Val586Ile). This variant is present in population databases (no rsID available, gnomAD 0.008%). This variant has not been reported in the literature in individuals affected with UNC80-related conditions. ClinVar contains an entry for this variant (Variation ID: 1450053). Algorithms developed to predict the effect of missense changes on protein structure and function are either unavailable or do not agree on the potential impact of this missense change (SIFT: "Not Available"; PolyPhen-2: "Probably Damaging"; Align-GVGD: "Not Available"). In summary, the available evidence is currently insufficient to determine the role of this variant in disease. Therefore, it has been classified as a Variant of Uncertain Significance.